The following is an entry in ClinVar:

ClinVar aggregate classification (germline): Uncertain significance (1 of 4 stars; one submission).

Conditions:
Inborn genetic diseases. Identifiers: MedGen C0950123, MeSH D030342.

Submission:

Ambry Genetics
Classification: Uncertain significance for Inborn genetic diseases. Last evaluated: 2024-12-21. Review status: criteria provided, single submitter. Criteria: Ambry Variant Classification Scheme 2023. Collection method: clinical testing. Allele origin: germline.
Comment: The p.H855N variant (also known as c.2563C>A), located in coding exon 17 of the PIK3CA gene, results from a C to A substitution at nucleotide position 2563. The histidine at codon 855 is replaced by asparagine, an amino acid with similar properties. This amino acid position is conserved. In addition, the in silico prediction for this alteration is inconclusive. Based on the available evidence, the clinical significance of this variant remains unclear.

NM_006218.4(PIK3CA):c.2563C>A (p.His855Asn)

Gene: PIK3CA (phosphatidylinositol-4,5-bisphosphate 3-kinase catalytic subunit alpha; plus strand). Cytogenetic location: 3q26.32.
Variant type: single nucleotide variant.
Coding change: c.2563C>A on transcript NM_006218.4 (MANE Select); coding-DNA position 2563, C replaced by A.
Protein change: p.His855Asn; replaces histidine 855 with asparagine.
Molecular consequence: missense variant.
Genome position (GRCh38, 1-based): chr3:179,229,339, C>A. VCF-style: chr3-179229339-C-A. GRCh37 (hg19) VCF-style: chr3-178947127-C-A.
Other names: short protein forms H855N.
Identifiers: ClinVar variation 3888935 (VCV003888935.1).
Genomic context (GRCh38, chr3:179,229,339, plus strand): 5'-CCTTATGGTTGTCTGTCAATCGGTGACTGTGTGGGACTTATTGAGGTGGTGCGAAATTCT[C>A]ACACTATTATGCAAATTCAGTGCAAAGGCGGCTTGAAAGGTGCACTGCAGTTCAACAGCC-3'
Protein context (NP_006209.2, residues 845-865): VGLIEVVRNS[His855Asn]TIMQIQCKGG